The following is an entry in ClinVar:

ClinVar aggregate classification (germline): Uncertain significance. Review status: criteria provided, multiple submitters, no conflicts (2 of 4 stars). 2 submissions from 2 submitters: Uncertain significance (2). Last evaluated 2025-11-01.

Conditions:
Cystic fibrosis (CF). Also called: MUCOVISCIDOSIS. Identifiers: Orphanet 586, MedGen C0010674, MONDO:0009061, OMIM 219700. Disease mechanism: loss of function.

Allele frequency attached by ClinVar (database versions not stated): gnomAD exomes below 0.00001.
gnomAD v4.1: 1 of 1,608,650 alleles (0.000062%); highest among the groups gnomAD compares: South Asian, 0.0011%; no homozygotes.

Submissions (2):

Ambry Genetics
Classification: Uncertain significance for Cystic fibrosis. Last evaluated: 2025-11-01. Review status: criteria provided, single submitter. Criteria: Ambry Variant Classification Scheme 2023. Collection method: clinical testing. Allele origin: germline.
Comment: The p.D1154N variant (also known as c.3460G>A), located in coding exon 21 of the CFTR gene, results from a G to A substitution at nucleotide position 3460. The aspartic acid at codon 1154 is replaced by asparagine, an amino acid with highly similar properties. This amino acid position is highly conserved in available vertebrate species. In addition, the in silico prediction for this alteration is inconclusive. Since supporting evidence is limited at this time, the clinical significance of this alteration remains unclear.

Johns Hopkins Genomics, Johns Hopkins University
Classification: Uncertain significance for Cystic fibrosis. Last evaluated: 2020-01-27. Review status: criteria provided, single submitter. Criteria: ACMG Guidelines, 2015. Collection method: clinical testing. Allele origin: germline.
Comment: CFTR c.3460G>A has not been reported in any patients with cystic fibrosis to our knowledge. It is absent from ClinVar and a large population database. Two other substitutions at this residue are present in ClinVar (p.Asp1154Tyr: uncertain clinical significance; p.Asp1154Gly: no assertion). Of three bioinformatics tools queried, two predict that p.Asp1154Asn would probably be damaging, while one predicts that it would be tolerated. The aspartic acid residue at this position is conserved in all species assessed except lamprey. We consider the clinical significance of c.3460G>A to be uncertain at this time.

NM_000492.4(CFTR):c.3460G>A (p.Asp1154Asn)

Genes: CFTR (CF transmembrane conductance regulator; plus strand), CFTR-AS2 (CFTR antisense RNA 2; minus strand). Cytogenetic location: 7q31.2.
Variant type: single nucleotide variant.
Coding change: c.3460G>A on transcript NM_000492.4 (MANE Select); coding-DNA position 3460, G replaced by A.
Protein change: p.Asp1154Asn; replaces aspartic acid 1154 with asparagine.
Molecular consequence: missense variant.
Genome position (GRCh38, 1-based): chr7:117,614,705, G>A. VCF-style: chr7-117614705-G-A. GRCh37 (hg19) VCF-style: chr7-117254759-G-A.
Other names: short protein forms D1154N.
Identifiers: ClinVar variation 932922 (VCV000932922.4), dbSNP rs397508568, ClinGen allele CA368993720.